The following is an entry in ClinVar:

NM_031955.6(SPATA16):c.53A>G (p.His18Arg)

Gene: SPATA16 (spermatogenesis associated 16; minus strand). Cytogenetic location: 3q26.31.
Variant type: single nucleotide variant.
Coding change: c.53A>G on transcript NM_031955.6 (MANE Select); coding-DNA position 53, A replaced by G.
Protein change: p.His18Arg; replaces histidine 18 with arginine.
Molecular consequence: missense variant.
Genome position (GRCh38, 1-based): chr3:173,117,679, T>C on the plus strand (A>G on the coding strand, the complement: SPATA16 is on the minus strand). VCF-style: chr3-173117679-T-C. GRCh37 (hg19) VCF-style: chr3-172835469-T-C.
Other names: short protein forms H18R.
Identifiers: ClinVar variation 774303 (VCV000774303.7), dbSNP rs115897458, ClinGen allele CA2708416.

ClinVar aggregate classification (germline): Conflicting classifications of pathogenicity. Review status: criteria provided, conflicting classifications (1 of 4 stars). 2 submissions from 2 submitters: Uncertain significance (1); Benign (1). Last evaluated 2018-07-18.

Conditions:
Spermatogenic failure 6 (SPGF6). Also called: ACROSOME MALFORMATION OF SPERMATOZOA; ROUND-HEADED SPERMATOZOA. Identifiers: Orphanet 171709, MedGen C4225503, MONDO:0007060, OMIM 102530.

Allele frequency attached by ClinVar (database versions not stated): 1000 Genomes Project 0.00140; 1000 Genomes Project 30x 0.00141; TOPMed 0.00428; gnomAD 0.00431 and 0.00450; gnomAD exomes 0.00478 and 0.00728; ExAC 0.00516; ESP Exome Variant Server 0.00554.
gnomAD v4.1: 11,239 of 1,614,160 alleles (0.7%); highest among the groups gnomAD compares: Non-Finnish European, 0.84%; 61 homozygotes.

Submissions (2):

Labcorp Genetics (formerly Invitae), Labcorp
Classification: Benign. Last evaluated: 2018-07-18. Review status: criteria provided, single submitter. Criteria: Invitae Variant Classification Sherloc (09022015). Collection method: clinical testing. Allele origin: germline.

Illumina Laboratory Services, Illumina
Classification: Uncertain significance for Spermatogenic failure 6. Last evaluated: 2017-04-27. Review status: criteria provided, single submitter. Criteria: ICSL Variant Classification Criteria 13 December 2019. Collection method: clinical testing. Allele origin: germline.
Comment: This variant was observed as part of a predisposition screen in an ostensibly healthy population. A literature search was performed for the gene, cDNA change, and amino acid change (where applicable). Publications were found based on this search. However, the evidence from the literature, in combination with allele frequency data from public databases where available, was not sufficient to rule this variant in or out of causing disease. Therefore, this variant is classified as a variant of unknown significance.

Literature cited by the submitters: PubMed 24265589 (cited by Illumina Laboratory Services, Illumina).